The following is an entry in ClinVar:

NM_021830.5(TWNK):c.677G>T (p.Cys226Phe)

Gene: TWNK (twinkle mtDNA helicase; plus strand). Cytogenetic location: 10q24.31.
Variant type: single nucleotide variant.
Coding change: c.677G>T on transcript NM_021830.5 (MANE Select); coding-DNA position 677, G replaced by T.
Protein change: p.Cys226Phe; replaces cysteine 226 with phenylalanine.
Molecular consequence: missense variant. On other transcripts: non-coding transcript variant (4), intron variant (3).
Genome position (GRCh38, 1-based): chr10:100,988,887, G>T. VCF-style: chr10-100988887-G-T. GRCh37 (hg19) VCF-style: chr10-102748644-G-T.
Other names: c.677G>T, p.Cys226Phe (NM_001163812.2); c.-119-757G>T (NM_001163814.2, NM_001163813.2); c.-57-819G>T (NM_001368275.1); short protein forms C226F.
Identifiers: ClinVar variation 2091186 (VCV002091186.4), dbSNP rs187291192, ClinGen allele CA212962920.
Genomic context (GRCh38, chr10:100,988,887, plus strand): 5'-TCCCTTGGTTCTCCCCTGGGGGCTCAGGATTACGAGGCCTGAAGCTCCTAGAGGCTAAAT[G>T]CCAGGGGGATGGAGTGAGCTACGAGGAAACCACTATTCCCCGACCCAGCGCCTACCACAA-3'
Protein context (NP_068602.2, residues 216-236): LRGLKLLEAK[Cys226Phe]QGDGVSYEET

ClinVar aggregate classification (germline): Uncertain significance (1 of 4 stars; one submission).

Allele frequency attached by ClinVar (database versions not stated): gnomAD 0.00001; TOPMed below 0.00001; 1000 Genomes Project 0.00020; gnomAD exomes 0.00001; 1000 Genomes Project 30x 0.00016.
gnomAD v4.1: 6 of 1,614,186 alleles (0.00037%); highest among the groups gnomAD compares: Admixed American, 0.01%; no homozygotes.

Submission:

Labcorp Genetics (formerly Invitae), Labcorp
Classification: Uncertain significance. Last evaluated: 2025-05-02. Review status: criteria provided, single submitter. Criteria: Invitae Variant Classification Sherloc (09022015). Collection method: clinical testing. Allele origin: germline.
Comment: This sequence change replaces cysteine, which is neutral and slightly polar, with phenylalanine, which is neutral and non-polar, at codon 226 of the TWNK protein (p.Cys226Phe). This variant is present in population databases (rs187291192, gnomAD 0.02%). This variant has not been reported in the literature in individuals affected with TWNK-related conditions. ClinVar contains an entry for this variant (Variation ID: 2091186). Invitae Evidence Modeling of protein sequence and biophysical properties (such as structural, functional, and spatial information, amino acid conservation, physicochemical variation, residue mobility, and thermodynamic stability) has been performed for this missense variant. However, the output from this modeling did not meet the statistical confidence thresholds required to predict the impact of this variant on TWNK protein function. In summary, the available evidence is currently insufficient to determine the role of this variant in disease. Therefore, it has been classified as a Variant of Uncertain Significance.